The following is an entry in ClinVar:

ClinVar aggregate classification (germline): Pathogenic (1 of 4 stars; one submission).

Submission:

GeneDx
Classification: Pathogenic. Last evaluated: 2021-03-25. Review status: criteria provided, single submitter. Criteria: GeneDx Variant Classification Process June 2021. Collection method: clinical testing. Allele origin: germline. Affected: yes.
Comment: Nonsense variant predicted to result in protein truncation or nonsense mediated decay in a gene for which loss-of-function is a known mechanism of disease; Not observed [at a significant frequency] in large population cohorts (Lek et al., 2016); Has not been previously published as pathogenic or benign to our knowledge

NM_206926.2(SELENON):c.1187dup (p.Tyr396Ter)

Gene: SELENON (selenoprotein N; plus strand). Cytogenetic location: 1p36.11.
Variant type: Duplication.
Coding change: c.1187dup on transcript NM_206926.2 (MANE Select); coding-DNA position 1187, one base duplicated (A; older notation c.1187dupA).
Protein change: p.Tyr396Ter; replaces tyrosine 396 with a stop codon.
Molecular consequence: nonsense.
Genome position (GRCh38, 1-based): chr1:25,812,694, A duplicated. VCF-style (leftmost placement, unchanged base first): chr1-25812693-T-TA. GRCh37 (hg19) VCF-style: chr1-26139184-T-TA.
Other names: c.1289dup, p.Tyr430Ter (NM_020451.3); c.1289dupA (NM_020451.2); short protein forms Y430*, Y396*.
Identifiers: ClinVar variation 432702 (VCV000432702.2), dbSNP rs1553120678, ClinGen allele CA645372407.
Genomic context (GRCh38, chr1:25,812,693, plus strand): 5'-GTGGGACCCTGGCCGCTTTGATGATGGCTTCGCTCTGTCTCGGTGTGGCCCCAGGTCTCC[T>TA]ACTTGCCGTTCACTGAGGCCTTCGACCGAGCCAAGGCTGAGAACAAGCTGGTGCACTCAA-3'